The following is an entry in ClinVar:

NM_001195263.2(PDZD7):c.1345A>G (p.Lys449Glu)

Gene: PDZD7 (PDZ domain containing 7; minus strand). Cytogenetic location: 10q24.31.
Variant type: single nucleotide variant.
Coding change: c.1345A>G on transcript NM_001195263.2 (MANE Select); coding-DNA position 1345, A replaced by G.
Protein change: p.Lys449Glu; replaces lysine 449 with glutamic acid.
Molecular consequence: missense variant.
Genome position (GRCh38, 1-based): chr10:101,018,276, T>C on the plus strand (A>G on the coding strand, the complement: PDZD7 is on the minus strand). VCF-style: chr10-101018276-T-C. GRCh37 (hg19) VCF-style: chr10-102778033-T-C.
Other names: c.1373A>G, p.Glu458Gly (NM_001351044.2); c.1345A>G, p.Lys449Glu (NM_001437429.1, NM_024895.5); short protein forms E458G, K449E.
Identifiers: ClinVar variation 4086766 (VCV004086766.1).

ClinVar aggregate classification (germline): Uncertain significance (1 of 4 stars; one submission).

gnomAD v4.1: 6 of 1,613,564 alleles (0.00037%); highest among the groups gnomAD compares: Admixed American, 0.01%; no homozygotes.

Submission:

GeneDx
Classification: Uncertain significance. Last evaluated: 2025-03-21. Review status: criteria provided, single submitter. Criteria: GeneDx Variant Classification Process June 2021. Collection method: clinical testing. Allele origin: germline. Affected: yes.
Comment: In silico analysis indicates that this missense variant does not alter protein structure/function; Has not been previously published as pathogenic or benign to our knowledge